The following is an entry in ClinVar:

NM_032119.4(ADGRV1):c.7816G>A (p.Val2606Met)

Gene: ADGRV1 (adhesion G protein-coupled receptor V1; plus strand). Cytogenetic location: 5q14.3.
Variant type: single nucleotide variant.
Coding change: c.7816G>A on transcript NM_032119.4 (MANE Select); coding-DNA position 7816, G replaced by A.
Protein change: p.Val2606Met; replaces valine 2606 with methionine.
Molecular consequence: missense variant. On other transcripts: non-coding transcript variant (1).
Genome position (GRCh38, 1-based): chr5:90,694,572, G>A. VCF-style: chr5-90694572-G-A. GRCh37 (hg19) VCF-style: chr5-89990389-G-A.
Other names: short protein forms V2606M.
Identifiers: ClinVar variation 1478505 (VCV001478505.8), dbSNP rs942796033, ClinGen allele CA122797430.

ClinVar aggregate classification (germline): Uncertain significance (1 of 4 stars; one submission).

Allele frequency attached by ClinVar (database versions not stated): gnomAD exomes below 0.00001; TOPMed below 0.00001.
gnomAD v4.1: 1 of 1,613,868 alleles (0.000062%); highest among the groups gnomAD compares: Non-Finnish European, 0.000085%; no homozygotes.

Submission:

Labcorp Genetics (formerly Invitae), Labcorp
Classification: Uncertain significance. Last evaluated: 2022-03-19. Review status: criteria provided, single submitter. Criteria: Invitae Variant Classification Sherloc (09022015). Collection method: clinical testing. Allele origin: germline.
Comment: Algorithms developed to predict the effect of missense changes on protein structure and function are either unavailable or do not agree on the potential impact of this missense change (SIFT: "Deleterious"; PolyPhen-2: "Probably Damaging"; Align-GVGD: "Class C0"). This sequence change replaces valine, which is neutral and non-polar, with methionine, which is neutral and non-polar, at codon 2606 of the ADGRV1 protein (p.Val2606Met). This variant is not present in population databases (gnomAD no frequency). This variant has not been reported in the literature in individuals affected with ADGRV1-related conditions. In summary, the available evidence is currently insufficient to determine the role of this variant in disease. Therefore, it has been classified as a Variant of Uncertain Significance.